The following is an entry in ClinVar:

ClinVar aggregate classification (germline): Uncertain significance (1 of 4 stars; one submission).

Conditions:
Wilms tumor 1 (WT1). Also called: Wilms tumor, somatic. Identifiers: Orphanet 654, MedGen CN033288, MONDO:0008679, OMIM 194070.

Submission:

Labcorp Genetics (formerly Invitae), Labcorp
Classification: Uncertain significance for Wilms tumor 1. Last evaluated: 2024-08-29. Review status: criteria provided, single submitter. Criteria: Invitae Variant Classification Sherloc (09022015). Collection method: clinical testing. Allele origin: germline.
Comment: This sequence change replaces glycine, which is neutral and non-polar, with aspartic acid, which is acidic and polar, at codon 69 of the GPC3 protein (p.Gly69Asp). This variant is not present in population databases (gnomAD no frequency). This missense change has been observed in individual(s) with Simpson-Golabi-Behmel syndrome (PMID: 29637653). Invitae Evidence Modeling of protein sequence and biophysical properties (such as structural, functional, and spatial information, amino acid conservation, physicochemical variation, residue mobility, and thermodynamic stability) indicates that this missense variant is not expected to disrupt GPC3 protein function with a negative predictive value of 80%. In summary, the available evidence is currently insufficient to determine the role of this variant in disease. Therefore, it has been classified as a Variant of Uncertain Significance.

Literature cited by the submitters: PubMed 29637653.

NM_004484.4(GPC3):c.206G>A (p.Gly69Asp)

Gene: GPC3 (glypican 3; minus strand). Cytogenetic location: Xq26.2.
Variant type: single nucleotide variant.
Coding change: c.206G>A on transcript NM_004484.4 (MANE Select); coding-DNA position 206, G replaced by A.
Protein change: p.Gly69Asp; replaces glycine 69 with aspartic acid.
Molecular consequence: missense variant. On other transcripts: intron variant (1).
Genome position (GRCh38, 1-based): chrX:133,953,181, C>T on the plus strand (G>A on the coding strand, the complement: GPC3 is on the minus strand). VCF-style: chrX-133953181-C-T. GRCh37 (hg19) VCF-style: chrX-133087208-C-T.
Other names: c.206G>A, p.Gly69Asp (NM_001164617.2, NM_001164618.2); c.175+32094G>A (NM_001164619.2); short protein forms G69D.
Identifiers: ClinVar variation 3704506 (VCV003704506.2).
Genomic context (GRCh38, chrX:133,953,181, plus strand): 5'-ATGTTCAATCGTGCTGTTAGTTGGTATTTTTCTTCCATCTTTCTTGAGCAGCATGTTGGG[C>T]CCTTAGGGAGACATACTTGCAAATCTGATCCTGAAACAAACAAGGTTTTCATGTTTCAGT-3'
Protein context (NP_004475.1, residues 59-79): GSDLQVCLPK[Gly69Asp]PTCCSRKMEE